The following is an entry in ClinVar:

NM_002291.3(LAMB1):c.4978C>T (p.Arg1660Trp)

Gene: LAMB1 (laminin subunit beta 1; minus strand). Cytogenetic location: 7q31.1.
Variant type: single nucleotide variant.
Coding change: c.4978C>T on transcript NM_002291.3 (MANE Select); coding-DNA position 4978, C replaced by T.
Protein change: p.Arg1660Trp; replaces arginine 1660 with tryptophan.
Molecular consequence: missense variant.
Genome position (GRCh38, 1-based): chr7:107,926,269, G>A on the plus strand (C>T on the coding strand, the complement: LAMB1 is on the minus strand). VCF-style: chr7-107926269-G-A. GRCh37 (hg19) VCF-style: chr7-107566714-G-A.
Other names: c.4978C>T (NM_002291.2); short protein forms R1660W.
Identifiers: ClinVar variation 2417764 (VCV002417764.7), dbSNP rs139866849, ClinGen allele CA4434880.

ClinVar aggregate classification (germline): Uncertain significance. Review status: criteria provided, multiple submitters, no conflicts (2 of 4 stars). 2 submissions from 2 submitters: Uncertain significance (2). Last evaluated 2025-06-29.

Conditions:
Inborn genetic diseases. Identifiers: MedGen C0950123, MeSH D030342.

Allele frequency attached by ClinVar (database versions not stated): gnomAD 0.00015; TOPMed 0.00020; ESP Exome Variant Server 0.00038; ExAC 0.00007.
gnomAD v4.1: 51 of 1,613,672 alleles (0.0032%); highest among the groups gnomAD compares: African/African-American, 0.041%; no homozygotes.

Submissions (2):

Ambry Genetics
Classification: Uncertain significance for Inborn genetic diseases. Last evaluated: 2025-06-29. Review status: criteria provided, single submitter. Criteria: Ambry Variant Classification Scheme 2023. Collection method: clinical testing. Allele origin: germline.

Labcorp Genetics (formerly Invitae), Labcorp
Classification: Uncertain significance. Last evaluated: 2024-12-16. Review status: criteria provided, single submitter. Criteria: Invitae Variant Classification Sherloc (09022015). Collection method: clinical testing. Allele origin: germline.
Comment: This sequence change replaces arginine, which is basic and polar, with tryptophan, which is neutral and slightly polar, at codon 1660 of the LAMB1 protein (p.Arg1660Trp). This variant is present in population databases (rs139866849, gnomAD 0.05%). This variant has not been reported in the literature in individuals affected with LAMB1-related conditions. ClinVar contains an entry for this variant (Variation ID: 2417764). An algorithm developed to predict the effect of missense changes on protein structure and function (PolyPhen-2) suggests that this variant is likely to be disruptive. In summary, the available evidence is currently insufficient to determine the role of this variant in disease. Therefore, it has been classified as a Variant of Uncertain Significance.